The following is an entry in ClinVar:

ClinVar aggregate classification (germline): Uncertain significance. Review status: criteria provided, multiple submitters, no conflicts (2 of 4 stars). 2 submissions from 2 submitters: Uncertain significance (2). Last evaluated 2025-01-13.

Conditions:
Peroxisome biogenesis disorder, complementation group K (CGK). Identifiers: MedGen C1866257, MONDO:0800365.
Peroxisome biogenesis disorder 13A (Zellweger). Also called: Peroxisome biogenesis disorder 13A. Identifiers: Orphanet 912, MedGen C3554004, MONDO:0013952, OMIM 614887.

Allele frequency attached by ClinVar (database versions not stated): TOPMed 0.00001; gnomAD exomes 0.00001 and below 0.00001; ExAC 0.00001.
gnomAD v4.1: 8 of 1,613,852 alleles (0.0005%); highest among the groups gnomAD compares: East Asian, 0.0022%; no homozygotes.

Submissions (2):

Labcorp Genetics (formerly Invitae), Labcorp
Classification: Uncertain significance for Peroxisome biogenesis disorder, complementation group K. Last evaluated: 2025-01-13. Review status: criteria provided, single submitter. Criteria: Invitae Variant Classification Sherloc (09022015). Collection method: clinical testing. Allele origin: germline.
Comment: This sequence change replaces isoleucine, which is neutral and non-polar, with threonine, which is neutral and polar, at codon 209 of the PEX14 protein (p.Ile209Thr). This variant is present in population databases (rs758355392, gnomAD 0.002%). This variant has not been reported in the literature in individuals affected with PEX14-related conditions. ClinVar contains an entry for this variant (Variation ID: 876454). Invitae Evidence Modeling of protein sequence and biophysical properties (such as structural, functional, and spatial information, amino acid conservation, physicochemical variation, residue mobility, and thermodynamic stability) has been performed for this missense variant. However, the output from this modeling did not meet the statistical confidence thresholds required to predict the impact of this variant on PEX14 protein function. In summary, the available evidence is currently insufficient to determine the role of this variant in disease. Therefore, it has been classified as a Variant of Uncertain Significance.

Illumina Laboratory Services, Illumina
Classification: Uncertain significance for Peroxisome biogenesis disorder 13A (Zellweger). Last evaluated: 2018-03-02. Review status: criteria provided, single submitter. Criteria: ICSL Variant Classification Criteria 13 December 2019. Collection method: clinical testing. Allele origin: germline.

NM_004565.3(PEX14):c.626T>C (p.Ile209Thr)

Gene: PEX14 (peroxisomal biogenesis factor 14; plus strand). Cytogenetic location: 1p36.22.
Variant type: single nucleotide variant.
Coding change: c.626T>C on transcript NM_004565.3 (MANE Select); coding-DNA position 626, T replaced by C.
Protein change: p.Ile209Thr; replaces isoleucine 209 with threonine.
Molecular consequence: missense variant.
Genome position (GRCh38, 1-based): chr1:10,627,312, T>C. VCF-style: chr1-10627312-T-C. GRCh37 (hg19) VCF-style: chr1-10687369-T-C.
Other names: short protein forms I209T.
Identifiers: ClinVar variation 876454 (VCV000876454.10), dbSNP rs758355392, ClinGen allele CA583919.